The following is an entry in ClinVar:

NM_001148.6(ANK2):c.1667A>G (p.His556Arg)

Gene: ANK2 (ankyrin 2; plus strand). Cytogenetic location: 4q26.
Variant type: single nucleotide variant.
Coding change: c.1667A>G on transcript NM_001148.6 (MANE Select); coding-DNA position 1667, A replaced by G.
Protein change: p.His556Arg; replaces histidine 556 with arginine.
Molecular consequence: missense variant.
Genome position (GRCh38, 1-based): chr4:113,274,633, A>G. VCF-style: chr4-113274633-A-G. GRCh37 (hg19) VCF-style: chr4-114195789-A-G.
Other names: c.1604A>G, p.His535Arg (NM_001354252.2, NM_001354253.2, NM_001354254.2 and 14 more transcripts); c.1667A>G, p.His556Arg (NM_001354258.2, NM_001354245.2, NM_001354246.2 and 8 more transcripts); c.1580A>G, p.His527Arg (NM_001354260.2, NM_001354274.2, NM_001354276.2 and 13 more transcripts); c.1625A>G, p.His542Arg (NM_001354261.2, NM_001386147.1, NM_001386160.1); c.1469A>G, p.His490Arg (NM_001354273.2); c.1382A>G, p.His461Arg (NM_001354277.2, NM_001386157.1, NM_001386158.1); c.1712A>G, p.His571Arg (NM_001386144.1, NM_001354242.2, NM_001386152.1 and 5 more transcripts); c.1457A>G, p.His486Arg (NM_001354269.3); and 4 more; short protein forms H461R, H527R, H571R, H486R, H490R, H556R, H535R, H542R.
Identifiers: ClinVar variation 903652 (VCV000903652.10), dbSNP rs749342854, ClinGen allele CA3050332.

ClinVar aggregate classification (germline): Uncertain significance. Review status: criteria provided, multiple submitters, no conflicts (2 of 4 stars). 3 submissions from 3 submitters: Uncertain significance (3). Last evaluated 2024-07-19.

Conditions:
Long QT syndrome (LQTS). Identifiers: MedGen C0023976, MeSH D008133, MONDO:0002442. Disease mechanism: loss of function. Inheritance: Various modes of inheritance.
Cardiac arrhythmia, ankyrin-B-related. Also called: ANKYRIN-B SYNDROME. Identifiers: Orphanet 101016, Orphanet 768, MedGen C1970119, MONDO:0010958, OMIM 600919.
Cardiovascular phenotype. Identifiers: MedGen CN230736.

Allele frequency attached by ClinVar (database versions not stated): gnomAD exomes 0.00001 and 0.00002; TOPMed 0.00002; ExAC 0.00004.
gnomAD v4.1: 13 of 1,614,076 alleles (0.00081%); highest among the groups gnomAD compares: East Asian, 0.027%; no homozygotes.

Submissions (3):

Ambry Genetics
Classification: Uncertain significance for Cardiovascular phenotype. Last evaluated: 2024-07-19. Review status: criteria provided, single submitter. Criteria: Ambry Variant Classification Scheme 2023. Collection method: clinical testing. Allele origin: germline.
Comment: The p.H556R variant (also known as c.1667A>G), located in coding exon 15 of the ANK2 gene, results from an A to G substitution at nucleotide position 1667. The histidine at codon 556 is replaced by arginine, an amino acid with highly similar properties. This amino acid position is highly conserved in available vertebrate species. In addition, this alteration is predicted to be tolerated by in silico analysis. According to data from gnomAD, the frequency for this variant is above the maximum credible frequency for a cardiac disease-causing variant in this gene based on internally established thresholds (Karczewski et al. Nature. 2020 May;581(7809):434-443; Whiffin et al. Genet Med. 2017 10;19:1151-1158). Based on the supporting evidence, the association of this alteration with ANK2-related neurodevelopmental disorder is unknown; however, the association with ANK2-related arrhythmia is unlikely.

Labcorp Genetics (formerly Invitae), Labcorp
Classification: Uncertain significance for Long QT syndrome. Last evaluated: 2024-07-17. Review status: criteria provided, single submitter. Criteria: Invitae Variant Classification Sherloc (09022015). Collection method: clinical testing. Allele origin: germline.
Comment: This sequence change replaces histidine, which is basic and polar, with arginine, which is basic and polar, at codon 556 of the ANK2 protein (p.His556Arg). This variant is present in population databases (rs749342854, gnomAD 0.02%). This variant has not been reported in the literature in individuals affected with ANK2-related conditions. ClinVar contains an entry for this variant (Variation ID: 903652). Advanced modeling of protein sequence and biophysical properties (such as structural, functional, and spatial information, amino acid conservation, physicochemical variation, residue mobility, and thermodynamic stability) has been performed at Invitae for this missense variant, however the output from this modeling did not meet the statistical confidence thresholds required to predict the impact of this variant on ANK2 protein function. In summary, the available evidence is currently insufficient to determine the role of this variant in disease. Therefore, it has been classified as a Variant of Uncertain Significance.

Illumina Laboratory Services, Illumina
Classification: Uncertain significance for Cardiac arrhythmia, ankyrin-B-related. Last evaluated: 2018-01-13. Review status: criteria provided, single submitter. Criteria: ICSL Variant Classification Criteria 13 December 2019. Collection method: clinical testing. Allele origin: germline.